The following is an entry in ClinVar:

ClinVar aggregate classification (germline): Uncertain significance (1 of 4 stars; one submission).

Conditions:
Ehlers-Danlos syndrome, type 4 (EDSVASC). Also called: Ehlers-Danlos syndrome vascular type; Ehlers Danlos syndrome, ecchymotic type; Ehlers Danlos syndrome, arterial type; Ehlers Danlos syndrome, Sack-Barabas type; Ehlers-Danlos Syndrome Type IV. Identifiers: Orphanet 286, MedGen C0268338, MONDO:0017314, OMIM 130050.

Submission:

Clinical Genomics Laboratory, Washington University in St. Louis
Classification: Uncertain significance for Ehlers-Danlos syndrome, type 4. Last evaluated: 2025-10-15. Review status: criteria provided, single submitter. Criteria: ACMG Guidelines, 2015. Collection method: clinical testing. Allele origin: germline.
Comment: The COL3A1 c.1463C>T (p.Pro488Leu) variant, to our knowledge, has not been reported in the medical literature. This variant is absent from the general population (gnomAD v.2.1.1), indicating it is not a common variant. Computational predictors are uncertain as to the impact of this variant on COL3A1 function. Due to limited information, and based on ACMG/AMP guidelines for variant interpretation (Richards S et al., PMID: 25741868), the clinical significance of this variant is uncertain at this time.

NM_000090.4(COL3A1):c.1463C>T (p.Pro488Leu)

Gene: COL3A1 (collagen type III alpha 1 chain; plus strand). Cytogenetic location: 2q32.2.
Variant type: single nucleotide variant.
Coding change: c.1463C>T on transcript NM_000090.4 (MANE Select); coding-DNA position 1463, C replaced by T.
Protein change: p.Pro488Leu; replaces proline 488 with leucine.
Molecular consequence: missense variant.
Genome position (GRCh38, 1-based): chr2:188,995,053, C>T. VCF-style: chr2-188995053-C-T. GRCh37 (hg19) VCF-style: chr2-189859779-C-T.
Other names: short protein forms P488L.
Identifiers: ClinVar variation 4879248 (VCV004879248.1).